The following is an entry in ClinVar:

ClinVar aggregate classification (germline): Benign/Likely benign. Review status: criteria provided, multiple submitters, no conflicts (2 of 4 stars). 7 submissions from 7 submitters: Benign (1); Likely benign (5). 1 of the submissions does not count toward it. Last evaluated 2025-12-16.

Conditions:
Hereditary cancer-predisposing syndrome. Also called: Tumor predisposition; Hereditary Cancer Syndrome; Neoplastic Syndromes, Hereditary; Hereditary neoplastic syndrome. Identifiers: Orphanet 140162, MedGen C0027672, MeSH D009386, MONDO:0015356.
Hereditary breast ovarian cancer syndrome. Also called: Breast and ovarian cancer; Hereditary breast and ovarian cancer; Hereditary breast and ovarian cancer syndrome; Hereditary breast and/or ovarian cancer syndrome; BRCA1- and BRCA2-Associated Hereditary Breast and Ovarian Cancer; Hereditary breast and ovarian cancer syndrome (HBOC). Identifiers: Orphanet 145, MedGen C0677776, MeSH D061325, MONDO:0003582. Disease mechanism: loss of function.
Breast-ovarian cancer, familial, susceptibility to, 1 (BROVCA1). Also called: BRCA1 Hereditary Breast and Ovarian Cancer; OVARIAN CANCER, SUSCEPTIBILITY TO. Identifiers: Orphanet 145, MedGen C2676676, MONDO:0011450, OMIM 604370. Disease mechanism: loss of function.
Malignant tumor of breast. Also called: Malignant breast neoplasm; Cancer breast. Identifiers: MedGen C0006142, MONDO:0007254. Disease mechanism: loss of function.

Allele frequency attached by ClinVar (database versions not stated): gnomAD exomes below 0.00001; TOPMed below 0.00001; gnomAD 0.00001.
gnomAD v4.1: 6 of 1,608,442 alleles (0.00037%); highest among the groups gnomAD compares: Admixed American, 0.0033%; no homozygotes.

Submissions (7):

Labcorp Genetics (formerly Invitae), Labcorp
Classification: Benign for Hereditary breast ovarian cancer syndrome. Last evaluated: 2025-12-16. Review status: criteria provided, single submitter. Criteria: Invitae Variant Classification Sherloc (09022015). Collection method: clinical testing. Allele origin: germline.

Blueprint Genetics
Classification: Likely benign. Last evaluated: 2023-12-27. Review status: criteria provided, single submitter. Criteria: ACMG Guidelines, 2015. Collection method: clinical testing. Allele origin: germline.

Genetics Program, Instituto Nacional de Cancer
Classification: Likely benign for Hereditary breast ovarian cancer syndrome. Last evaluated: 2021-11-01. Review status: criteria provided, single submitter. Criteria: ACMG Guidelines, 2015. Collection method: research. Allele origin: germline. Affected: yes.

Mendelics
Classification: Likely benign for Breast-ovarian cancer, familial, susceptibility to, 1. Last evaluated: 2019-05-28. Review status: criteria provided, single submitter. Criteria: Mendelics Assertion Criteria 2017. Collection method: clinical testing. Allele origin: unknown.

Color Diagnostics, LLC DBA Color Health
Classification: Likely benign for Hereditary cancer-predisposing syndrome. Last evaluated: 2018-02-08. Review status: criteria provided, single submitter. Criteria: ACMG Guidelines, 2015. Collection method: clinical testing. Allele origin: germline.

GeneDx
Classification: Likely benign. Last evaluated: 2016-09-30. Review status: criteria provided, single submitter. Criteria: GeneDx Variant Classification (06012015). Collection method: clinical testing. Allele origin: germline. Affected: yes.
Comment: This variant is considered likely benign or benign based on one or more of the following criteria: it is a conservative change, it occurs at a poorly conserved position in the protein, it is predicted to be benign by multiple in silico algorithms, and/or has population frequency not consistent with disease.

Department of Pathology and Laboratory Medicine, Sinai Health System
Classification: Likely benign for Malignant tumor of breast. Review status: no assertion criteria provided. Collection method: clinical testing. Allele origin: unknown. Affected: yes. Study: The Canadian Open Genetics Repository (COGR). Not counted in ClinVar's aggregate classification.
Comment: The BRCA1 c.301+12A>C variant was identified in 1 of 200 proband chromosomes (frequency: 0.005) from Brazilian individuals or families with epithelial ovarian cancer, unselected for familial history (Maistro 2016). The variant was also identified in dbSNP (ID: rs863224757) â€šÃ„ÃºWith Likely benign alleleâ€šÃ„Ã¹ and ClinVar (classified likely benign by Invitae, GeneDx and Color). The variant was not identified in LOVD 3.0 and UMD-LSDB. The variant was identified in control databases in 1 of 245926 chromosomes at a frequency of 0.000004 (Genome Aggregation Database Feb 27, 2017). The variant was observed in the European Non-Finnish population in 1 of 111490 chromosomes (freq: 0.000009), while it was not observed in the African, Other, Latino, Ashkenazi Jewish, East Asian, European Finnish, or South Asian populations. The variant occurs outside of the splicing consensus sequence and in silico or computational prediction software programs (SpliceSiteFinder, MaxEntScan, NNSPLICE, GeneSplicer) do not predict a difference in splicing. In summary, based on the above information, the clinical significance of this variant cannot be determined with certainty at this time although we would lean towards a more benign role for this variant. This variant is classified as likely benign.

Literature cited by the submitters: PubMed 36329109 (cited by Genetics Program, Instituto Nacional de Cancer).

NM_007294.4(BRCA1):c.301+12A>C

Gene: BRCA1 (BRCA1 DNA repair associated; minus strand). Cytogenetic location: 17q21.31.
Variant type: single nucleotide variant.
Coding change: c.301+12A>C on transcript NM_007294.4 (MANE Select); 12 bases into the intron after coding-DNA position 301, A replaced by C.
Molecular consequence: intron variant.
Genome position (GRCh38, 1-based): chr17:43,104,856, T>G on the plus strand (A>C on the coding strand, the complement: BRCA1 is on the minus strand). VCF-style: chr17-43104856-T-G. GRCh37 (hg19) VCF-style: chr17-41256873-T-G.
Other names: c.160+12A>C (NM_001408458.1, NM_001407931.1, NM_001407747.1 and 99 more transcripts); c.-218-9996A>C (NM_001407967.1, NM_001407966.1); c.-81+12A>C (NM_001407959.1, NM_001407962.1, NM_001408512.1 and 4 more transcripts); c.91+12A>C (NM_001407885.1, NM_001407886.1, NM_001407898.1 and 58 more transcripts); c.301+12A>C (NM_001407686.1, NM_001408397.1, NM_001407632.1 and 164 more transcripts); c.169+12A>C (NM_001408451.1); c.223+12A>C (NM_001408475.1, NM_001407875.1, NM_001407659.1 and 21 more transcripts); c.292+21A>C (NM_001408408.1, NM_001407647.1, NM_001407646.1).
Identifiers: ClinVar variation 216660 (VCV000216660.42), dbSNP rs863224757, ClinGen allele CA337917.